The following is an entry in ClinVar:

ClinVar aggregate classification (germline): Benign. Review status: criteria provided, multiple submitters, no conflicts (2 of 4 stars). 3 submissions from 3 submitters: Benign (3). Last evaluated 2018-11-12.

Allele frequency attached by ClinVar (database versions not stated): ESP Exome Variant Server 0.26915; gnomAD 0.28999 and 0.29391; TOPMed 0.29373; gnomAD exomes 0.31186 and 0.32017; ExAC 0.32073; 1000 Genomes Project 30x 0.33401; 1000 Genomes Project 0.33906.
gnomAD v4.1: 499,963 of 1,611,090 alleles (31%); highest among the groups gnomAD compares: East Asian, 59%; 80,446 homozygotes.

Submissions (3):

GeneDx
Classification: Benign. Last evaluated: 2018-11-12. Review status: criteria provided, single submitter. Criteria: GeneDx Variant Classification Process June 2021. Collection method: clinical testing. Allele origin: germline. Affected: yes.

Laboratory for Molecular Medicine, Mass General Brigham Personalized Medicine
Classification: Benign. Last evaluated: 2016-03-28. Review status: criteria provided, single submitter. Criteria: LMM Criteria. Collection method: clinical testing. Allele origin: germline.
Comment: Variant identified in a genome or exome case(s) and assessed due to predicted null impact of the variant or pathogenic assertions in the literature or databases. Disclaimer: This variant has not undergone full assessment. The following are preliminary notes: Frequency

Breakthrough Genomics
Classification: Benign. Review status: criteria provided, single submitter. Criteria: ACMG Guidelines, 2015. Collection method: not provided. Allele origin: germline. Inheritance: Autosomal dominant inheritance. Affected: yes.

NM_002458.3(MUC5B):c.13398G>A (p.Thr4466=)

Gene: MUC5B (mucin 5B, oligomeric mucus/gel-forming; plus strand). Cytogenetic location: 11p15.5.
Variant type: single nucleotide variant.
Coding change: c.13398G>A on transcript NM_002458.3 (MANE Select); coding-DNA position 13398, G replaced by A.
Protein change: p.Thr4466=; no amino-acid change (threonine 4466 retained).
Molecular consequence: synonymous variant.
Genome position (GRCh38, 1-based): chr11:1,250,278, G>A. VCF-style: chr11-1250278-G-A. GRCh37 (hg19) VCF-style: chr11-1271508-G-A.
Identifiers: ClinVar variation 403176 (VCV000403176.8), dbSNP rs12418291, ClinGen allele CA5808315.